The following is an entry in ClinVar:

ClinVar aggregate classification (germline): other (0 of 4 stars; one submission).

Conditions:
Familial colorectal cancer. Identifiers: MedGen CN280943, MONDO:0023113. Disease mechanism: loss of function.

Submission:

Systems Biology Platform Zhejiang California International NanoSystems Institute
Classification: other for Familial colorectal cancer. Review status: no assertion criteria provided. Collection method: not provided. Allele origin: unknown.
ClinVar note: Converted during submission from cancer to other.

NM_000038.6(APC):c.135+4609C>G

Gene: APC (APC regulator of WNT signaling pathway; plus strand). Cytogenetic location: 5q22.2.
Variant type: single nucleotide variant.
Coding change: c.135+4609C>G on transcript NM_000038.6 (MANE Select); 4609 bases into the intron after coding-DNA position 135, C replaced by G.
Molecular consequence: intron variant.
Genome position (GRCh38, 1-based): chr5:112,759,634, C>G. VCF-style: chr5-112759634-C-G. GRCh37 (hg19) VCF-style: chr5-112095331-C-G.
Other names: c.135+4609C>G (NM_001354895.2, NM_001127510.3, NM_001354896.2 and 2 more transcripts); c.166-6692C>G (NM_001354897.2, NM_001354902.2, NM_001127511.3); c.61-6692C>G (NM_001354898.2, NM_001354904.2); c.-901+4609C>G (NM_001354906.2); c.-42-6692C>G (NM_001354900.2, NM_001354901.2, NM_001354905.2).
Identifiers: ClinVar variation 82374 (VCV000082374.2), dbSNP rs76716334, ClinGen allele CA004382.